The following is an entry in ClinVar:

ClinVar aggregate classification (germline): Uncertain significance (1 of 4 stars; one submission).

Conditions:
Hereditary cancer-predisposing syndrome. Also called: Tumor predisposition; Neoplastic Syndromes, Hereditary; Hereditary neoplastic syndrome; Hereditary Cancer Syndrome. Identifiers: Orphanet 140162, MedGen C0027672, MeSH D009386, MONDO:0015356.

Submission:

Ambry Genetics
Classification: Uncertain significance for Hereditary cancer-predisposing syndrome. Last evaluated: 2025-08-27. Review status: criteria provided, single submitter. Criteria: Ambry Variant Classification Scheme 2023. Collection method: clinical testing. Allele origin: germline.
Comment: The p.K521T variant (also known as c.1562A>C), located in coding exon 16 of the MUTYH gene, results from an A to C substitution at nucleotide position 1562. The lysine at codon 521 is replaced by threonine, an amino acid with similar properties. This amino acid position is conserved. In addition, this alteration is predicted to be tolerated by in silico analysis. Based on the available evidence, the clinical significance of this variant remains unclear.

NM_001048174.2(MUTYH):c.1478A>C (p.Lys493Thr)

Gene: MUTYH (mutY DNA glycosylase; minus strand). Cytogenetic location: 1p34.1.
Variant type: single nucleotide variant.
Coding change: c.1478A>C on transcript NM_001048174.2 (MANE Select); coding-DNA position 1478, A replaced by C.
Protein change: p.Lys493Thr; replaces lysine 493 with threonine.
Molecular consequence: missense variant. On other transcripts: non-coding transcript variant (7).
Genome position (GRCh38, 1-based): chr1:45,329,394, T>G on the plus strand (A>C on the coding strand, the complement: MUTYH is on the minus strand). VCF-style: chr1-45329394-T-G. GRCh37 (hg19) VCF-style: chr1-45795066-T-G.
Other names: c.1478A>C, p.Lys493Thr (NM_001048171.2, NM_001048173.2, NM_001293195.2 and 6 more transcripts); c.1481A>C, p.Lys494Thr (NM_001048172.2, NM_001407071.1, NM_001407086.1 and 1 more transcripts); c.1562A>C, p.Lys521Thr (NM_001128425.2); c.1523A>C, p.Lys508Thr (NM_001293190.2); c.1511A>C, p.Lys504Thr (NM_001293191.2, NM_001407069.1, NM_001407077.1); c.1202A>C, p.Lys401Thr (NM_001293192.2, NM_001293196.2, NM_001407091.1); c.1133A>C, p.Lys378Thr (NM_001350650.2, NM_001350651.2, NM_001407082.1); c.1520A>C, p.Lys507Thr (NM_001407085.1, NM_001407083.1); and 5 more; short protein forms K500T, K518T, K401T, K480T, K494T, K507T, K378T, K465T.
Identifiers: ClinVar variation 4112786 (VCV004112786.1).